The following is an entry in ClinVar:

NM_031220.4(PITPNM3):c.328A>G (p.Ile110Val)

Gene: PITPNM3 (PITPNM family member 3; minus strand). Cytogenetic location: 17p13.2.
Variant type: single nucleotide variant.
Coding change: c.328A>G on transcript NM_031220.4 (MANE Select); coding-DNA position 328, A replaced by G.
Protein change: p.Ile110Val; replaces isoleucine 110 with valine.
Molecular consequence: missense variant.
Genome position (GRCh38, 1-based): chr17:6,484,239, T>C on the plus strand (A>G on the coding strand, the complement: PITPNM3 is on the minus strand). VCF-style: chr17-6484239-T-C. GRCh37 (hg19) VCF-style: chr17-6387559-T-C.
Other names: c.220A>G, p.Ile74Val (NM_001165966.2); short protein forms I110V, I74V.
Identifiers: ClinVar variation 1000450 (VCV001000450.8), dbSNP rs924096159, ClinGen allele CA397411488.
Genomic context (GRCh38, chr17:6,484,239, plus strand): 5'-TGAGTTGAGCCCAGACACCCTCCGAAGCCCAGCCTACCTCGCTGTCTTCGTGGATCTCGA[T>C]GCTTCCCTGGGCTGGGAACCTCTGTCTTCTCAAGGAAACCCGGTACAGTTCTCCTGCAGA-3'
Protein context (NP_112497.2, residues 100-120): RRQRFPAQGS[Ile110Val]EIHEDSEEGC

ClinVar aggregate classification (germline): Uncertain significance (1 of 4 stars; one submission).

Allele frequency attached by ClinVar (database versions not stated): gnomAD exomes 0.00001.
gnomAD v4.1: 12 of 1,612,290 alleles (0.00074%); highest among the groups gnomAD compares: Middle Eastern, 0.017%; no homozygotes.

Submission:

Labcorp Genetics (formerly Invitae), Labcorp
Classification: Uncertain significance. Last evaluated: 2025-03-17. Review status: criteria provided, single submitter. Criteria: Invitae Variant Classification Sherloc (09022015). Collection method: clinical testing. Allele origin: germline.
Comment: This sequence change replaces isoleucine, which is neutral and non-polar, with valine, which is neutral and non-polar, at codon 110 of the PITPNM3 protein (p.Ile110Val). This variant is not present in population databases (gnomAD no frequency). This variant has not been reported in the literature in individuals affected with PITPNM3-related conditions. ClinVar contains an entry for this variant (Variation ID: 1000450). An algorithm developed to predict the effect of missense changes on protein structure and function (PolyPhen-2) suggests that this variant is likely to be tolerated. In summary, the available evidence is currently insufficient to determine the role of this variant in disease. Therefore, it has been classified as a Variant of Uncertain Significance.